The following is an entry in ClinVar:

ClinVar aggregate classification (germline): Uncertain significance (1 of 4 stars; one submission).

Conditions:
Glycogen storage disease type III (GSD3). Also called: Cori disease; FORBES DISEASE. Identifiers: Orphanet 366, MedGen C0017922, MONDO:0009291, OMIM 232400.

Submission:

Labcorp Genetics (formerly Invitae), Labcorp
Classification: Uncertain significance for Glycogen storage disease type III. Last evaluated: 2018-03-07. Review status: criteria provided, single submitter. Criteria: Invitae Variant Classification Sherloc (09022015). Collection method: clinical testing. Allele origin: germline.
Comment: This sequence change replaces glycine with arginine at codon 98 of the AGL protein (p.Gly98Arg). The glycine residue is moderately conserved and there is a moderate physicochemical difference between glycine and arginine. In summary, the available evidence is currently insufficient to determine the role of this variant in disease. Therefore, it has been classified as a Variant of Uncertain Significance. Algorithms developed to predict the effect of sequence changes on RNA splicing suggest that this variant may create or strengthen a splice site, but this prediction has not been confirmed by published transcriptional studies. Algorithms developed to predict the effect of missense changes on protein structure and function (SIFT, PolyPhen-2, Align-GVGD) all suggest that this variant is likely to be tolerated, but these predictions have not been confirmed by published functional studies and their clinical significance is uncertain. This variant has not been reported in the literature in individuals with AGL-related disease. This variant is not present in population databases (ExAC no frequency).

NM_000642.3(AGL):c.292G>A (p.Gly98Arg)

Gene: AGL (amylo-alpha-1,6-glucosidase and 4-alpha-glucanotransferase; plus strand). Cytogenetic location: 1p21.2.
Variant type: single nucleotide variant.
Coding change: c.292G>A on transcript NM_000642.3 (MANE Select); coding-DNA position 292, G replaced by A.
Protein change: p.Gly98Arg; replaces glycine 98 with arginine.
Molecular consequence: missense variant.
Genome position (GRCh38, 1-based): chr1:99,861,712, G>A. VCF-style: chr1-99861712-G-A. GRCh37 (hg19) VCF-style: chr1-100327268-G-A.
Other names: c.292G>A, p.Gly98Arg (NM_000028.3, NM_000643.3, NM_000644.3 and 5 more transcripts); c.244G>A, p.Gly82Arg (NM_000646.3); short protein forms G98R, G82R.
Identifiers: ClinVar variation 572366 (VCV000572366.9), dbSNP rs1557746870, ClinGen allele CA341330222.